The following is an entry in ClinVar:

NM_007118.4(TRIO):c.3657dup (p.Cys1220fs)

Gene: TRIO (trio Rho guanine nucleotide exchange factor; plus strand). Cytogenetic location: 5p15.2.
Variant type: Duplication.
Coding change: c.3657dup on transcript NM_007118.4 (MANE Select); coding-DNA position 3657, one base duplicated (A; older notation c.3657dupA).
Protein change: p.Cys1220fs; shifts the reading frame from cysteine 1220.
Molecular consequence: frameshift variant. On other transcripts: non-coding transcript variant (1).
Genome position (GRCh38, 1-based): chr5:14,387,524, A duplicated; the last of 7 consecutive A bases (chr5:14,387,518-14,387,524); duplicating any one gives the same sequence. VCF-style (leftmost placement, unchanged base first): chr5-14387517-T-TA. GRCh37 (hg19) VCF-style: chr5-14387626-T-TA.
Other names: c.3657dupA (NM_007118.2); short protein forms C1220fs.
Identifiers: ClinVar variation 504184 (VCV000504184.5), dbSNP rs1554068529, ClinGen allele CA645541050.

ClinVar aggregate classification (germline): Pathogenic/Likely pathogenic. Review status: criteria provided, multiple submitters, no conflicts (2 of 4 stars). 2 submissions from 2 submitters: Pathogenic (1); Likely pathogenic (1). Last evaluated 2022-10-17.

Conditions:
Intellectual developmental disorder, autosomal dominant 44, with microcephaly. Also called: TRIO-Related Intellectual Disability; Micrognathia-recurrent infections-behavioral abnormalities-mild intellectual disability syndrome. Identifiers: Orphanet 476126, MedGen C4310740, MONDO:0014892, OMIM 617061.

Submissions (2):

GeneDx
Classification: Pathogenic. Last evaluated: 2022-10-17. Review status: criteria provided, single submitter. Criteria: GeneDx Variant Classification Process June 2021. Collection method: clinical testing. Allele origin: germline. Affected: yes.
Comment: Identified in an individual from a cohort of patients with neurodevelopmental disorders (Wang et al., 2020); Frameshift variant predicted to result in protein truncation or nonsense mediated decay in a gene for which loss of function is a known mechanism of disease; Not observed at significant frequency in large population cohorts (gnomAD); This variant is associated with the following publications: (PMID: 28224356, 33004838)

Institute of Human Genetics, University of Leipzig Medical Center
Classification: Likely pathogenic for Intellectual developmental disorder, autosomal dominant 44, with microcephaly. Last evaluated: 2020-09-08. Review status: criteria provided, single submitter. Criteria: ACMG Guidelines, 2015. Collection method: clinical testing. Allele origin: unknown. Affected: yes.